The following is an entry in ClinVar:

ClinVar aggregate classification (germline): Likely pathogenic (1 of 4 stars; one submission).

Submission:

Athena Diagnostics
Classification: Likely pathogenic. Last evaluated: 2023-08-22. Review status: criteria provided, single submitter. Criteria: Athena Diagnostics Criteria. Collection method: clinical testing. Allele origin: unknown.
Comment: This variant is expected to result in the loss of a functional protein. This variant has not been reported in large, multi-ethnic general populations.

NM_182961.4(SYNE1):c.7345del (p.Leu2449fs)

Gene: SYNE1 (spectrin repeat containing nuclear envelope protein 1; minus strand). Cytogenetic location: 6q25.2.
Variant type: Deletion.
Coding change: c.7345del on transcript NM_182961.4 (MANE Select); coding-DNA position 7345, one base deleted (C; older notation c.7345delC).
Protein change: p.Leu2449fs; shifts the reading frame from leucine 2449.
Molecular consequence: frameshift variant.
Genome position (GRCh38, 1-based): chr6:152,398,624, G deleted on the plus strand (C on the coding strand, the reverse complement: SYNE1 is on the minus strand). VCF-style (leftmost placement, unchanged base first): chr6-152398623-AG-A. GRCh37 (hg19) VCF-style: chr6-152719758-AG-A.
Other names: c.7366del, p.Leu2456fs (NM_033071.5); short protein forms L2449fs, L2456fs.
Identifiers: ClinVar variation 2684060 (VCV002684060.1), dbSNP rs2493953727, ClinGen allele CA2697553791.
Genomic context (GRCh38, chr6:152,398,623, plus strand): 5'-CTGCAGGCACCTGAGTACATTTTGGGGAAGAAGGAAAAGGATGTCAGCTTCTATACCTGA[AG>A]ATCATGGAGCTTTGCTTCTAGAACTTTGCTGTCACCGGTGCGATCTGATGATTCTTTTGC-3'